The following continues an entry in ClinVar:

NM_000256.3(MYBPC3):c.3742G>A (p.Gly1248Arg)

Gene: MYBPC3. ClinVar aggregate classification (germline): Conflicting classifications of pathogenicity. Uncertain significance (13); Likely benign (1).

Submissions 7 to 17 of 17:

ARUP Laboratories, Molecular Genetics and Genomics, ARUP Laboratories
Classification: Uncertain significance. Last evaluated: 2025-01-23. Review status: criteria provided, single submitter. Criteria: ARUP Molecular Germline Variant Investigation Process 2024. Collection method: clinical testing. Allele origin: germline.
Comment: The MYBPC3 c.3742G>A; p.Gly1248Arg variant (rs202147520, ClinVar Variation ID: 42739) is reported in the literature in individuals affected with hypertrophic cardiomyopathy (HCM) and dilated cardiomyopathy (DCM) (Morita 2008, Oâ€™Hare 2020, van Lint 2019); however, this variant did not segregate with disease in two family members affected with DCM (Cuenca 2016). This variant is also reported in sudden unexplained death/sudden infant death (Christiansen 2016, Kotta 2023, Neubauer 2017), including one individual who carried a MYBPC3 splice site variant (Hofman 2007). This variant is found in the general population with an overall allele frequency of 0.003% (8/249,120 alleles) in the Genome Aggregation Database (v2.1.1). Computational analyses are uncertain whether this variant is neutral or deleterious (REVEL: 0.369) and minigene assay derived from HEK293 cells support that this variant does not affect splicing (Ito 2017). Due to conflicting information, the clinical significance of this variant is uncertain at this time. References: Christiansen SL et al. Genetic investigation of 100 heart genes in sudden unexplained death victims in a forensic setting. Eur J Hum Genet. 2016 Dec;24(12):1797-1802. PMID: 27650965. Cuenca S et al. Genetic basis of familial dilated cardiomyopathy patients undergoing heart transplantation. J Heart Lung Transplant. 2016 May;35(5):625-35. PMID: 26899768. Hofman N et al. Contribution of inherited heart disease to sudden cardiac death in childhood. Pediatrics. 2007 Oct;120(4):e967-73. PMID: 17908752. Ito K et al. Identification of pathogenic gene mutations in LMNA and MYBPC3 that alter RNA splicing. Proc Natl Acad Sci U S A. 2017 Jul 18;114(29):7689-7694. PMID: 28679633. Kotta MC et al. Cardiac Genetic Investigation of Sudden Infant and Early Childhood Death: A Study From Victims to Families. J Am Heart Assoc. 2023 Sep 5;12(17):e029100. PMID: 37589201. Morita H et al. Shared genetic causes of cardiac hypertrophy in children and adults. N Engl J Med. 2008 May 1;358(18):1899-908. PMID: 18403758. Neubauer J et al. Post-mortem whole-exome analysis in a large sudden infant death syndrome cohort with a focus on cardiovascular and metabolic genetic diseases. Eur J Hum Genet. 2017 Apr;25(4):404-409. PMID: 28074886. O'Hare BJ et al. Patients With Hypertrophic Cardiomyopathy Deemed Genotype Negative Based on Research Grade Genetic Analysis: Time for Repeat Diagnostic Testing With Next-Generation Sequencing. Circ Genom Precis Med. 2020 Dec;13(6):e003013. PMID: 33190526. van Lint FHM et al. Large next-generation sequencing gene panels in genetic heart disease: yield of pathogenic variants and variants of unknown significance. Neth Heart J. 2019 Jun;27(6):304-309. PMID: 30847666.

All of Us Research Program, National Institutes of Health
Classification: Uncertain significance for Hypertrophic cardiomyopathy. Last evaluated: 2024-08-06. Review status: criteria provided, single submitter. Criteria: ACMG Guidelines, 2015. Collection method: clinical testing. Allele origin: germline. Inheritance: Autosomal dominant inheritance. Observed: 29 variant alleles, 29 heterozygotes.
Comment: This missense variant replaces glycine with arginine at codon 1248 of the MYBPC3 protein. Computational prediction tools indicate that this variant has a neutral impact on protein structure and function. A functional mini-gene assay has shown that this variant may not cause aberrant splicing (PMID: 28679633). This variant has been reported in over ten unrelated individuals affected with hypertrophic cardiomyopathy (PMID: 18403758, 22765922, 27532257, 28356264, 30696458, 32841044, 33190526, 33495596, 33495597, ClinVar SCV000747929.1) including one individual who also carried a pathogenic variant in the MYBPC3 gene (PMID: 33190526). This variant has also been reported in three individuals affected with dilated cardiomyopathy (PMID: 26899768, 28750076, 30847666), in one individual affected with cardiomyopathy (PMID: 32009526), and in four young individuals affected with sudden cardiac death (PMID: 17908752, 27650965, 28074886, 37589201) including one carrying a pathogenic MYBPC3 splice variant (PMID: 17908752). This variant has been identified in 8/249120 chromosomes in the general population by the Genome Aggregation Database (gnomAD). Although there is a suspicion that this variant may be associated with disease, additional studies are necessary to determine the role of this variant in disease conclusively. Therefore, this variant is classified as a Variant of Uncertain Significance.

This study involves interpretation of variants in research participants for the purpose of population health screening. Participant phenotype was not available at the time of variant classification. Additional details can be found in publication PMID: 35346344, PMCID: PMC8962531

Blueprint Genetics
Classification: Likely benign. Last evaluated: 2024-03-04. Review status: criteria provided, single submitter. Criteria: ACMG Guidelines, 2015. Collection method: clinical testing. Allele origin: germline.

Clinical Genetics Laboratory, Skane University Hospital Lund
Classification: Uncertain significance. Last evaluated: 2024-01-03. Review status: criteria provided, single submitter. Criteria: ACMG Guidelines, 2015. Collection method: clinical testing. Allele origin: germline. Affected: yes.

Ambry Genetics
Classification: Uncertain significance for Cardiovascular phenotype. Last evaluated: 2022-10-26. Review status: criteria provided, single submitter. Criteria: Ambry Variant Classification Scheme 2023. Collection method: clinical testing. Allele origin: germline.

Fulgent Genetics
Classification: Uncertain significance for Hypertrophic cardiomyopathy 4; Left ventricular noncompaction 10. Last evaluated: 2021-10-16. Review status: criteria provided, single submitter. Criteria: ACMG Guidelines, 2015. Collection method: clinical testing. Allele origin: unknown.

Women's Health and Genetics/Laboratory Corporation of America, LabCorp
Classification: Uncertain significance. Last evaluated: 2021-05-03. Review status: criteria provided, single submitter. Criteria: LabCorp Variant Classification Summary - May 2015. Collection method: clinical testing. Allele origin: germline.
Comment: Variant summary: MYBPC3 c.3742G>A (p.Gly1248Arg) results in a non-conservative amino acid change located in the Immunoglobulin subtype 2 domain (IPR003598) of the encoded protein sequence. Four of five in-silico tools predict a damaging effect of the variant on protein function. The variant allele was found at a frequency of 3.2e-05 in 249620 control chromosomes (gnomAD and publication data). The available data on variant occurrences in the general population are insufficient to allow any conclusion about variant significance. c.3742G>A has been reported in the literature in individuals affected with hypertrophic cardiomyopathy or dilated cardiomyopathy (Hofman_2007, Morita_2008, Coto_2012, Cuenca_2016, Walsh_2017, Gomez_2017, Forleo_2017, Ware_2018, van Lint_2019). These reports do not provide unequivocal conclusions about association of the variant with Cardiomyopathy. Additionally, one co-occurrence with another pathogenic variant has been reported (MYBPC3 c.2149-2delA; Hofman_2007), providing supporting evidence for a benign role. To our knowledge, no experimental evidence demonstrating an impact on protein function has been reported. Five ClinVar submitters (evaluation after 2014) cite the variant as uncertain significance. Based on the evidence outlined above, the variant was classified as uncertain significance.

Laboratory for Molecular Medicine, Mass General Brigham Personalized Medicine
Classification: Uncertain significance. Last evaluated: 2019-04-05. Review status: criteria provided, single submitter. Criteria: ACMG Guidelines, 2015. Collection method: clinical testing. Allele origin: germline.
Comment: The p.Gly1248Arg variant in MYBPC3 has been reported in at least 2 individuals with DCM (Cuenca 2016, Forleo 2017), 2 individuals with unexplained sudden death (Christiansen 2016, Neubauer 2017), and 2 individuals with HCM, including 1 child who carried a splice variant in MYBPC3 (Hofman 2007, Morita 2008, Coto 2012, Gómez 2017). However, the variant failed to segregate with DCM in 2 affected members of 1 family (Cuenca 2016). This variant has also been identified in 0.005% (6/111626) of European chromosomes by the Genome Aggregation Database (gnomAD; dbSNP rs202147520). Computational prediction tools suggest that the p.Gly1248Arg variant may impact the protein, though conservation analysis show 2 mammals (orangutan and elephant) carry an arginine (Arg) at position 1248, suggesting that this change may be tolerated. Splice prediction tools predict that this variant may create a novel 3' splice site, though in vitro functional studies do not support a splicing impact (Ito 2017). In summary, the clinical significance of the p.Gly1248Arg variant is uncertain. The ACMG/AMP Criteria applied: BS4.

CSER _CC_NCGL, University of Washington
Classification: Uncertain significance for Cardiomyopathy, hypertrophic. Last evaluated: 2014-06-01. Review status: no assertion criteria provided. Collection method: research. Allele origin: germline. Inheritance: Autosomal dominant inheritance. Study: ESP 6500 variant annotation. Not counted in ClinVar's aggregate classification.
Comment: Variants classified for the Actionable exomic incidental findings in 6503 participants: challenges of variant classification manuscript

Clinical Genetics, Academic Medical Center
Classification: Uncertain significance. Review status: no assertion criteria provided. Collection method: clinical testing. Allele origin: germline. Affected: yes. Study: VKGL Data-share Consensus. Not counted in ClinVar's aggregate classification.

Diagnostic Laboratory, Department of Genetics, University Medical Center Groningen
Classification: Uncertain significance. Review status: no assertion criteria provided. Collection method: clinical testing. Allele origin: germline. Affected: yes. Study: VKGL Data-share Consensus. Not counted in ClinVar's aggregate classification.

Literature cited by the submitters: PubMed 17908752 (cited by 6 submitters); PubMed 18403758 (cited by 6 submitters); PubMed 22765922 (cited by 6 submitters); PubMed 27532257 (cited by 6 submitters); PubMed 30696458 (cited by 5 submitters); PubMed 30847666 (cited by 5 submitters); PubMed 32841044 (cited by 4 submitters); PubMed 33495596 (cited by 4 submitters); PubMed 37652022 (cited by Labcorp Genetics (formerly Invitae), Labcorp and Mayo Clinic Laboratories, Mayo Clinic); PubMed 37937776 (cited by Labcorp Genetics (formerly Invitae), Labcorp and Mayo Clinic Laboratories, Mayo Clinic); PubMed 28679633 (cited by 6 submitters); PubMed 26899768 (cited by 5 submitters); PubMed 27650965 (cited by 5 submitters); PubMed 28074886 (cited by 5 submitters); PubMed 28356264 (cited by 5 submitters); PubMed 28750076 (cited by 5 submitters); PubMed 32009526 (cited by 4 submitters); PubMed 33190526 (cited by 3 submitters); PubMed 33495597 (cited by 3 submitters); PubMed 37589201 (cited by 3 submitters); PubMed 29773157 (cited by Mayo Clinic Laboratories, Mayo Clinic and Women's Health and Genetics/Laboratory Corporation of America, LabCorp); PubMed 33782553 (cited by Mayo Clinic Laboratories, Mayo Clinic); PubMed 21415409 (cited by Women's Health and Genetics/Laboratory Corporation of America, LabCorp); PubMed 23299917 (cited by Women's Health and Genetics/Laboratory Corporation of America, LabCorp and Laboratory for Molecular Medicine, Mass General Brigham Personalized Medicine); PubMed 25637381 (cited by Women's Health and Genetics/Laboratory Corporation of America, LabCorp and Laboratory for Molecular Medicine, Mass General Brigham Personalized Medicine).